The following is an entry in ClinVar:

ClinVar aggregate classification (germline): Likely benign. Review status: criteria provided, single submitter (1 of 4 stars). 2 submissions from 1 submitter: Likely benign (2). Last evaluated 2018-01-12.

Conditions:
Congenital myopathy with fiber type disproportion. Also called: Congenital fiber-type disproportion myopathy; Congenital fiber-type disproportion. Identifiers: Orphanet 2020, MedGen C0546264, MONDO:0009711. Inheritance: all.
Congenital myopathy 4B, autosomal recessive. Also called: Nemaline myopathy 1, autosomal dominant or recessive. Identifiers: Orphanet 171433, Orphanet 171439, Orphanet 171881, MedGen C5829889, MONDO:0012239, OMIM 609284.

Allele frequency attached by ClinVar (database versions not stated): TOPMed 0.00169; 1000 Genomes Project 0.00339; 1000 Genomes Project 30x 0.00390; gnomAD 0.00172 and 0.00178.

Submissions (2):

Illumina Laboratory Services, Illumina
Classification: Likely benign for Congenital myopathy 4B, autosomal recessive. Last evaluated: 2018-01-12. Review status: criteria provided, single submitter. Criteria: ICSL Variant Classification Criteria 13 December 2019. Collection method: clinical testing. Allele origin: germline.
Comment: This variant was observed in the ICSL laboratory as part of a predisposition screen in an ostensibly healthy population. It had not been previously curated by ICSL or reported in the Human Gene Mutation Database (HGMD: prior to June 1st, 2018), and was therefore a candidate for classification through an automated scoring system. Utilizing variant allele frequency, disease prevalence and penetrance estimates, and inheritance mode, an automated score was calculated to assess if this variant is too frequent to cause the disease. Based on the score and internal cut-off values, a variant classified as likely benign is not then subjected to further curation. The score for this variant resulted in a classification of likely benign for this disease.

Illumina Laboratory Services, Illumina
Classification: Likely benign for Congenital myopathy 4A, autosomal dominant. Last evaluated: 2018-01-12. Review status: criteria provided, single submitter. Criteria: ICSL Variant Classification Criteria 13 December 2019. Collection method: clinical testing. Allele origin: germline.
Comment: the same text as in the submission from Illumina Laboratory Services, Illumina above.

NM_152263.4(TPM3):c.*4876C>T

Gene: TPM3 (tropomyosin 3; minus strand). Cytogenetic location: 1q21.3.
Variant type: single nucleotide variant.
Coding change: c.*4876C>T on transcript NM_152263.4 (MANE Select); 4876 bases downstream of the stop codon, C replaced by T.
Molecular consequence: 3 prime UTR variant. On other transcripts: intron variant (12).
Genome position (GRCh38, 1-based): chr1:154,163,061, G>A on the plus strand (C>T on the coding strand, the complement: TPM3 is on the minus strand). VCF-style: chr1-154163061-G-A. GRCh37 (hg19) VCF-style: chr1-154135537-G-A.
Other names: c.*4876C>T (NM_001364682.1, NM_001364683.1); c.776-5340C>T (NM_001364679.2, NM_001364680.2); c.776-4013C>T (NM_001364681.2); c.467-5340C>T (NM_001278188.2); c.665-5340C>T (NM_001043351.2, NM_153649.4); c.665-4013C>T (NM_001043353.2, NM_001043352.2); c.744-5340C>T (NM_001349679.2, NM_001278189.2); c.602-5340C>T (NM_001278190.2); and 1 more.
Identifiers: ClinVar variation 876688 (VCV000876688.4), dbSNP rs141628385, ClinGen allele CA30763148.